The following is an entry in ClinVar:

ClinVar aggregate classification (germline): Uncertain significance (1 of 4 stars; one submission).

Submission:

GeneDx
Classification: Uncertain significance. Last evaluated: 2024-03-21. Review status: criteria provided, single submitter. Criteria: GeneDx Variant Classification Process June 2021. Collection method: clinical testing. Allele origin: germline. Affected: yes.
Comment: Not observed at significant frequency in large population cohorts (gnomAD); In silico analysis supports that this missense variant has a deleterious effect on protein structure/function; Has not been previously published as pathogenic or benign to our knowledge

NM_012330.4(KAT6B):c.3745C>G (p.Pro1249Ala)

Gene: KAT6B (lysine acetyltransferase 6B; plus strand). Cytogenetic location: 10q22.2.
Variant type: single nucleotide variant.
Coding change: c.3745C>G on transcript NM_012330.4 (MANE Select); coding-DNA position 3745, C replaced by G.
Protein change: p.Pro1249Ala; replaces proline 1249 with alanine.
Molecular consequence: missense variant.
Genome position (GRCh38, 1-based): chr10:75,028,569, C>G. VCF-style: chr10-75028569-C-G. GRCh37 (hg19) VCF-style: chr10-76788327-C-G.
Other names: c.3196C>G, p.Pro1066Ala (NM_001256468.2, NM_001370138.1); c.2869C>G, p.Pro957Ala (NM_001256469.2, NM_001370139.1, NM_001370140.1 and 2 more transcripts); c.2707C>G, p.Pro903Ala (NM_001370132.1); c.2056C>G, p.Pro686Ala (NM_001370133.1); c.1660C>G, p.Pro554Ala (NM_001370134.1); c.1402C>G, p.Pro468Ala (NM_001370135.1); c.3745C>G, p.Pro1249Ala (NM_001370136.1, NM_001370137.1); c.2680C>G, p.Pro894Ala (NM_001370143.1, NM_001370144.1); short protein forms P1066A, P1249A, P468A, P554A, P686A, P894A, P903A, P957A.
Identifiers: ClinVar variation 3371268 (VCV003371268.1).